The following is an entry in ClinVar:

NM_001197104.2(KMT2A):c.7659dup (p.Glu2554fs)

Gene: KMT2A (lysine methyltransferase 2A; plus strand). Cytogenetic location: 11q23.3.
Variant type: Duplication.
Coding change: c.7659dup on transcript NM_001197104.2 (MANE Select); coding-DNA position 7659, one base duplicated (A; older notation c.7659dupA).
Protein change: p.Glu2554fs; shifts the reading frame from glutamic acid 2554.
Molecular consequence: frameshift variant.
Genome position (GRCh38, 1-based): chr11:118,503,551, A duplicated. VCF-style (leftmost placement, unchanged base first): chr11-118503550-T-TA. GRCh37 (hg19) VCF-style: chr11-118374265-T-TA.
Other names: c.7650dup, p.Glu2551fs (NM_005933.4); short protein forms E2554fs, E2551fs.
Identifiers: ClinVar variation 377261 (VCV000377261.4), dbSNP rs1057520177, ClinGen allele CA16603320.

ClinVar aggregate classification (germline): Pathogenic/Likely pathogenic. Review status: criteria provided, multiple submitters, no conflicts (2 of 4 stars). 2 submissions from 2 submitters: Pathogenic (1); Likely pathogenic (1). Last evaluated 2024-09-26.

Conditions:
Wiedemann-Steiner syndrome (WDSTS). Also called: Growth deficiency and mental retardation with facial dysmorphism. Identifiers: Orphanet 319182, MedGen C1854630, MONDO:0011518, OMIM 605130.

Submissions (2):

Institute of Human Genetics, University of Leipzig Medical Center
Classification: Pathogenic for Wiedemann-Steiner syndrome. Last evaluated: 2024-09-26. Review status: criteria provided, single submitter. Criteria: ACMG Guidelines, 2015. Collection method: clinical testing. Allele origin: de novo. Inheritance: Autosomal dominant inheritance. Affected: yes.
Comment: Criteria applied: PVS1,PS2,PS4_SUP,PM2

Center for Pediatric Genomic Medicine, Children's Mercy Hospital and Clinics
Classification: Likely pathogenic. Last evaluated: 2016-04-22. Review status: criteria provided, single submitter. Criteria: ACMG Guidelines, 2015. Collection method: clinical testing. Allele origin: germline.